The following is an entry in ClinVar:

ClinVar aggregate classification (germline): Pathogenic (1 of 4 stars; one submission).

Submission:

Quest Diagnostics Nichols Institute San Juan Capistrano
Classification: Pathogenic. Last evaluated: 2022-11-29. Review status: criteria provided, single submitter. Criteria: ACMG/ClinGen CNV Guidelines, 2019. Collection method: clinical testing. Allele origin: unknown.
Comment: The copy number loss of 6q22.31q23.3 involves numerous protein-coding genes, including EYA4 (OMIM 603550). Haploinsufficiency of EYA4, via truncating variations and deletions, causes nonsyndromic autosomal dominant deafness (OMIM 601316, Mi 2021, Shinagawa 2020) with or without dilated cardiomyopathy (OMIM 605362, Dutrannoy 2009). Additionally, smaller overlapping deletions within this region have been identified in patients with a variety of phenotypes (Dutrannoy 2009, Abe 2009, Galizia 2012, Mackenroth 2015, Gana 2019) and reported in Decipher. Thus, based on current medical literature and gene content, this copy number variant (CNV) is interpreted as pathogenic. References Abe et al., Hum Mutat. 2009 Oct;30(10):E946-55. PMID: 19606496 Dutrannoy et al., Eur J Med Genet. 2009 Nov-Dec;52(6):450-3. PMID: 19576303 Galizia et al., Eur J Med Genet. 2012 May;55(5):342-8. PMID: 22342432 Gana et al., Front Genet. 2019; 10: 650. PMID: 31379922 Mackenroth et al., Am J Med Genet A. 2015 Nov;167A(11):2800-7. PMID: 26334553 Mi et al., Mol Genet Genomic Med. 2021 Jan;9(1):e1569. PMID: 33301229 Shinagawa et al., Sci Rep. 2020 Feb 27;10(1):3662. PMID: 32107406

GRCh37/hg19 6q22.31-23.3(chr6:120218852-137160850)x1

Genes: TAAR5 (trace amine associated receptor 5; minus strand), TAAR6 (trace amine associated receptor 6; plus strand), TBC1D32 (TBC1 domain family member 32; minus strand), TBPL1 (TATA-box binding protein like 1; plus strand), TCF21 (transcription factor 21; plus strand) and 66 more. Cytogenetic location: 6q22.31-23.3.
Variant type: copy number loss.
Change: copy number 1 (one copy instead of two) of chr6:120,218,852-137,160,850 (16.94 Mb, GRCh37 coordinates, 1-based), cytogenetic band 6q22.31-23.3.
Identifiers: ClinVar variation 2685213 (VCV002685213.1).